The following is an entry in ClinVar:

ClinVar aggregate classification (germline): Uncertain significance. Review status: criteria provided, multiple submitters, no conflicts (2 of 4 stars). 3 submissions from 3 submitters: Uncertain significance (3). Last evaluated 2025-09-24.

Conditions:
Inborn genetic diseases. Identifiers: MedGen C0950123, MeSH D030342.
Familial cold autoinflammatory syndrome 2 (FCAS2). Identifiers: Orphanet 247868, MedGen C2673198, MONDO:0012724, OMIM 611762.

Allele frequency attached by ClinVar (database versions not stated): gnomAD exomes below 0.00001; TOPMed below 0.00001; gnomAD 0.00001; ExAC 0.00002; 1000 Genomes Project 30x 0.00016; 1000 Genomes Project 0.00020.
gnomAD v4.1: 3 of 1,614,126 alleles (0.00019%); highest among the groups gnomAD compares: East Asian, 0.0067%; no homozygotes.

Submissions (3):

Genesolutions, Medical Genetics Institutes, Ho Chi Minh City, Vietnam
Classification: Uncertain significance for Familial cold autoinflammatory syndrome 2. Last evaluated: 2025-09-24. Review status: criteria provided, single submitter. Criteria: ACMG Guidelines, 2015. Collection method: clinical testing. Allele origin: germline. Affected: yes.

Ambry Genetics
Classification: Uncertain significance for Inborn genetic diseases. Last evaluated: 2025-05-06. Review status: criteria provided, single submitter. Criteria: Ambry Variant Classification Scheme 2023. Collection method: clinical testing. Allele origin: germline.

Labcorp Genetics (formerly Invitae), Labcorp
Classification: Uncertain significance for Familial cold autoinflammatory syndrome 2. Last evaluated: 2022-06-26. Review status: criteria provided, single submitter. Criteria: Invitae Variant Classification Sherloc (09022015). Collection method: clinical testing. Allele origin: germline.
Comment: In summary, the available evidence is currently insufficient to determine the role of this variant in disease. Therefore, it has been classified as a Variant of Uncertain Significance. Algorithms developed to predict the effect of missense changes on protein structure and function are either unavailable or do not agree on the potential impact of this missense change (SIFT: "Deleterious"; PolyPhen-2: "Not Available"; Align-GVGD: "Class C0"). This variant has not been reported in the literature in individuals affected with NLRP12-related conditions. This variant is present in population databases (rs541622856, gnomAD 0.02%). This sequence change replaces cysteine, which is neutral and slightly polar, with arginine, which is basic and polar, at codon 980 of the NLRP12 protein (p.Cys980Arg).

NM_144687.4(NLRP12):c.2938T>C (p.Cys980Arg)

Gene: NLRP12 (NLR family pyrin domain containing 12; minus strand). Cytogenetic location: 19q13.42.
Variant type: single nucleotide variant.
Coding change: c.2938T>C on transcript NM_144687.4 (MANE Select); coding-DNA position 2938, T replaced by C.
Protein change: p.Cys980Arg; replaces cysteine 980 with arginine.
Molecular consequence: missense variant.
Genome position (GRCh38, 1-based): chr19:53,796,019, A>G on the plus strand (T>C on the coding strand, the complement: NLRP12 is on the minus strand). VCF-style: chr19-53796019-A-G. GRCh37 (hg19) VCF-style: chr19-54299273-A-G.
Other names: c.2938T>C (NM_144687.2); c.2941T>C, p.Cys981Arg (NM_001277126.2); c.2767T>C, p.Cys923Arg (NM_001277129.1); short protein forms C923R, C980R, C981R.
Identifiers: ClinVar variation 2176186 (VCV002176186.5), dbSNP rs541622856, ClinGen allele CA9638820.